The following is an entry in ClinVar:

ClinVar aggregate classification (germline): Pathogenic/Likely pathogenic. Review status: criteria provided, multiple submitters, no conflicts (2 of 4 stars). 2 submissions from 2 submitters: Pathogenic (1); Likely pathogenic (1). Last evaluated 2022-09-24.

Conditions:
Telangiectasia, hereditary hemorrhagic, type 2 (HHT2). Also called: ACVRL1-Related Hereditary Hemorrhagic Telangiectasia; Telangiectasia, hereditary hemorrhagic, type II. Identifiers: Orphanet 774, MedGen C1838163, MONDO:0010880, OMIM 600376. Disease mechanism: loss of function.
Cardiovascular phenotype. Identifiers: MedGen CN230736.

Submissions (2):

Labcorp Genetics (formerly Invitae), Labcorp
Classification: Pathogenic for Telangiectasia, hereditary hemorrhagic, type 2. Last evaluated: 2022-09-24. Review status: criteria provided, single submitter. Criteria: Invitae Variant Classification Sherloc (09022015). Collection method: clinical testing. Allele origin: germline.
Comment: This sequence change replaces phenylalanine, which is neutral and non-polar, with leucine, which is neutral and non-polar, at codon 425 of the ACVRL1 protein (p.Phe425Leu). This variant is not present in population databases (gnomAD no frequency). This missense change has been observed in individuals with hereditary hemorrhagic telangiectasia (PMID: 15024723, 16429404; Invitae). Advanced modeling of protein sequence and biophysical properties (such as structural, functional, and spatial information, amino acid conservation, physicochemical variation, residue mobility, and thermodynamic stability) performed at Invitae indicates that this missense variant is expected to disrupt ACVRL1 protein function. This variant disrupts the p.Phe425 amino acid residue in ACVRL1. Other variant(s) that disrupt this residue have been observed in individuals with ACVRL1-related conditions (PMID: 15024723, 15712270, 16429404), which suggests that this may be a clinically significant amino acid residue. For these reasons, this variant has been classified as Pathogenic.

Ambry Genetics
Classification: Likely pathogenic for Cardiovascular phenotype. Last evaluated: 2022-06-21. Review status: criteria provided, single submitter. Criteria: Ambry Variant Classification Scheme 2023. Collection method: clinical testing. Allele origin: germline.
Comment: The p.F425L variant (also known as c.1275C>G), located in coding exon 8 of the ACVRL1 gene, results from a C to G substitution at nucleotide position 1275. The phenylalanine at codon 425 is replaced by leucine, an amino acid with highly similar properties. This variant has been reported in individuals with hereditary hemorrhagic telangiectasia (HHT) (Lesca G et al. Hum Mutat, 2004 Apr;23:289-99; Lenato GM et al. Hum Mutat, 2006 Feb;27:213-4). Based on internal structural analysis, p.F425L is deleterious, as the variant is mildly destabilizing to the local structure [Ambry internal data]. This variant is considered to be rare based on population cohorts in the Genome Aggregation Database (gnomAD). This amino acid position is highly conserved in available vertebrate species. In addition, this alteration is predicted to be deleterious by in silico analysis. Based on the majority of available evidence to date, this variant is likely to be pathogenic.

Literature cited by the submitters: PubMed 15024723 (cited by Labcorp Genetics (formerly Invitae), Labcorp and Ambry Genetics); PubMed 16429404 (cited by Labcorp Genetics (formerly Invitae), Labcorp and Ambry Genetics); PubMed 15712270 (cited by Labcorp Genetics (formerly Invitae), Labcorp); PubMed 16690726 (cited by Ambry Genetics); PubMed 26986070 (cited by Ambry Genetics).

NM_000020.3(ACVRL1):c.1275C>G (p.Phe425Leu)

Gene: ACVRL1 (activin A receptor like type 1; plus strand). Cytogenetic location: 12q13.13.
Variant type: single nucleotide variant.
Coding change: c.1275C>G on transcript NM_000020.3 (MANE Select); coding-DNA position 1275, C replaced by G.
Protein change: p.Phe425Leu; replaces phenylalanine 425 with leucine.
Molecular consequence: missense variant.
Genome position (GRCh38, 1-based): chr12:51,919,013, C>G. VCF-style: chr12-51919013-C-G. GRCh37 (hg19) VCF-style: chr12-52312797-C-G.
Other names: c.1275C>G, p.Phe425Leu (NM_001077401.2, NM_001406487.1, NM_001406488.1 and 1 more transcripts); c.1119C>G, p.Phe373Leu (NM_001406490.1); c.963C>G, p.Phe321Leu (NM_001406491.1, NM_001406492.1, NM_001406493.1); c.765C>G, p.Phe255Leu (NM_001406494.1); c.711C>G, p.Phe237Leu (NM_001406495.1); short protein forms F321L, F237L, F373L, F425L, F255L.
Identifiers: ClinVar variation 1766369 (VCV001766369.7), dbSNP rs191763644, ClinGen allele CA384903767.